The following is an entry in ClinVar:

ClinVar aggregate classification (germline): Likely pathogenic (1 of 4 stars; one submission).

Conditions:
Autosomal recessive limb-girdle muscular dystrophy type 2J (LGMDR10). Also called: Limb-girdle muscular dystrophy, type 2J; MUSCULAR DYSTROPHY, LIMB-GIRDLE, AUTOSOMAL RECESSIVE 10. Identifiers: Orphanet 140922, MedGen C1837342, MONDO:0012127, OMIM 608807.
Dilated cardiomyopathy 1G (CMD1G). Identifiers: Orphanet 154, MedGen C1858763, MONDO:0011400, OMIM 604145.

Submission:

Labcorp Genetics (formerly Invitae), Labcorp
Classification: Likely pathogenic for Dilated cardiomyopathy 1G; Autosomal recessive limb-girdle muscular dystrophy type 2J. Last evaluated: 2024-06-03. Review status: criteria provided, single submitter. Criteria: Invitae Variant Classification Sherloc (09022015). Collection method: clinical testing. Allele origin: germline.
Comment: This sequence change creates a premature translational stop signal (p.Arg13448Aspfs*14) in the TTN gene. While this is not anticipated to result in nonsense mediated decay, it is expected to create a truncated TTN protein. This variant is not present in population databases (gnomAD no frequency). This variant has not been reported in the literature in individuals affected with TTN-related conditions. ClinVar contains an entry for this variant (Variation ID: 2016116). This variant is located in the I band of TTN (PMID: 25589632). Truncating variants in this region have been reported in individuals affected with autosomal recessive centronuclear myopathy (PMID: 23975875, Invitae internal data). Truncating variants in this region have also been identified in individuals affected with autosomal dominant dilated cardiomyopathy and/or cardio-related conditions (PMID: 27869827, 32964742, Invitae internal data). In summary, the currently available evidence indicates that the variant is pathogenic, but additional data are needed to prove that conclusively. Therefore, this variant has been classified as Likely Pathogenic.

Literature cited by the submitters: PubMed 25589632; PubMed 23975875; PubMed 27869827; PubMed 32964742.

NM_001267550.2(TTN):c.40342del (p.Arg13448fs)

Gene: TTN (titin; minus strand). Cytogenetic location: 2q31.2.
Variant type: Deletion.
Coding change: c.40342del on transcript NM_001267550.2 (MANE Select); coding-DNA position 40342, one base deleted (A; older notation c.40342delA).
Protein change: p.Arg13448fs; shifts the reading frame from arginine 13448.
Molecular consequence: frameshift variant. On other transcripts: intron variant (3).
Genome position (GRCh38, 1-based): chr2:178,645,986, T deleted on the plus strand (A on the coding strand, the reverse complement: TTN is on the minus strand); the first of 2 consecutive T bases (chr2:178,645,986-178,645,987); deleting either gives the same sequence. VCF-style (leftmost placement, unchanged base first): chr2-178645985-CT-C. GRCh37 (hg19) VCF-style: chr2-179510712-CT-C.
Other names: c.35419del, p.Arg11807fs (NM_001256850.1); c.32638del, p.Arg10880fs (NM_133378.4); c.13283-3669del (NM_003319.4); c.13859-3669del (NM_133437.4); c.13658-3669del (NM_133432.3); short protein forms R10880fs, R11807fs, R13448fs.
Identifiers: ClinVar variation 2016116 (VCV002016116.4), dbSNP rs2472056818, ClinGen allele CA2580065074.